The following is an entry in ClinVar:

ClinVar aggregate classification (germline): Uncertain significance (1 of 4 stars; one submission).

Conditions:
Developmental and epileptic encephalopathy 94 (DEE94). Also called: Epileptic encephalopathy, childhood-onset; CHD2-Related Neurodevelopmental Disorders. Identifiers: Orphanet 1942, Orphanet 2382, MedGen C3809278, MONDO:0014150, OMIM 615369.

Submission:

Labcorp Genetics (formerly Invitae), Labcorp
Classification: Uncertain significance for Developmental and epileptic encephalopathy 94. Last evaluated: 2020-09-29. Review status: criteria provided, single submitter. Criteria: Invitae Variant Classification Sherloc (09022015). Collection method: clinical testing. Allele origin: germline.
Comment: This sequence change replaces leucine with methionine at codon 660 of the CHD2 protein (p.Leu660Met). The leucine residue is highly conserved and there is a small physicochemical difference between leucine and methionine. This variant is not present in population databases (ExAC no frequency). This variant has not been reported in the literature in individuals with CHD2-related conditions. Advanced modeling of protein sequence and biophysical properties (such as structural, functional, and spatial information, amino acid conservation, physicochemical variation, residue mobility, and thermodynamic stability) performed at Invitae indicates that this missense variant is not expected to disrupt CHD2 protein function. In summary, the available evidence is currently insufficient to determine the role of this variant in disease. Therefore, it has been classified as a Variant of Uncertain Significance.

NM_001271.4(CHD2):c.1978C>A (p.Leu660Met)

Gene: CHD2 (chromodomain helicase DNA binding protein 2; plus strand). Cytogenetic location: 15q26.1.
Variant type: single nucleotide variant.
Coding change: c.1978C>A on transcript NM_001271.4 (MANE Select); coding-DNA position 1978, C replaced by A.
Protein change: p.Leu660Met; replaces leucine 660 with methionine.
Molecular consequence: missense variant.
Genome position (GRCh38, 1-based): chr15:92,956,627, C>A. VCF-style: chr15-92956627-C-A. GRCh37 (hg19) VCF-style: chr15-93499857-C-A.
Other names: short protein forms L660M.
Identifiers: ClinVar variation 1058121 (VCV001058121.9), dbSNP rs2141816626, ClinGen allele CA393906637.
Genomic context (GRCh38, chr15:92,956,627, plus strand): 5'-CATAGGCTCCTGATTACGGGGACCCCTCTTCAGAATTCCCTCAAAGAGCTCTGGTCCTTG[C>A]TGCACTTTATTATGCCGGAGAAGTAAGCTCCTTCCTGTGTATTTCAAAAGATGCTAGAAT-3'
Protein context (NP_001262.3, residues 650-670): QNSLKELWSL[Leu660Met]HFIMPEKFEF